The following is an entry in ClinVar:

NM_000138.5(FBN1):c.4342G>A (p.Asp1448Asn)

Gene: FBN1 (fibrillin 1; minus strand). Cytogenetic location: 15q21.1.
Variant type: single nucleotide variant.
Coding change: c.4342G>A on transcript NM_000138.5 (MANE Select); coding-DNA position 4342, G replaced by A.
Protein change: p.Asp1448Asn; replaces aspartic acid 1448 with asparagine.
Molecular consequence: missense variant.
Genome position (GRCh38, 1-based): chr15:48,470,751, C>T on the plus strand (G>A on the coding strand, the complement: FBN1 is on the minus strand). VCF-style: chr15-48470751-C-T. GRCh37 (hg19) VCF-style: chr15-48762948-C-T.
Other names: short protein forms D1448N.
Identifiers: ClinVar variation 527144 (VCV000527144.15), dbSNP rs371377334, ClinGen allele CA052708.

ClinVar aggregate classification (germline): Conflicting classifications of pathogenicity. Review status: criteria provided, conflicting classifications (1 of 4 stars). 5 submissions from 5 submitters: Uncertain significance (3); Likely benign (2). Last evaluated 2026-08-10.

Conditions:
Acromicric dysplasia (ACMICD). Also called: Acromicric skeletal dysplasia. Identifiers: Orphanet 969, MedGen C0265287, MONDO:0007055, OMIM 102370.
Ectopia lentis 1, isolated, autosomal dominant (ECTOL1). Identifiers: Orphanet 1885, MedGen C3541518, MONDO:0007514, OMIM 129600.
Weill-Marchesani syndrome 2, dominant. Also called: FBN1-Related Weill-Marchesani Syndrome; Weill-Marchesani Syndrome, Autosomal Dominant. Identifiers: Orphanet 2084, MedGen C1869115, MONDO:0012013, OMIM 608328.
Progeroid and marfanoid aspect-lipodystrophy syndrome. Also called: Marfan lipodystrophy syndrome; MARFANOID-PROGEROID-LIPODYSTROPHY SYNDROME; MARFANOID-PROGEROID SYNDROME; MARFAN-PROGEROID-LIPODYSTROPHY SYNDROME. Identifiers: Orphanet 300382, MedGen C4310796, MONDO:0014831, OMIM 616914.
Marfan syndrome (MFS). Also called: FBN1-Related Marfan Syndrome; Marfan's syndrome; MARFAN SYNDROME, TYPE I; Marfan syndrome, classic; Marfan syndrome type 1. Identifiers: Orphanet 284963, Orphanet 558, MedGen C0024796, MONDO:0007947, OMIM 154700.
MASS syndrome (OCTD). Also called: MASS PHENOTYPE; OVERLAP CONNECTIVE TISSUE DISEASE. Identifiers: MedGen C1858556, MONDO:0011431, OMIM 604308.
Stiff skin syndrome (SSKS). Identifiers: Orphanet 2833, MedGen C1861456, MONDO:0008492, OMIM 184900.
Geleophysic dysplasia 2 (GPHYSD2). Identifiers: Orphanet 2623, MedGen C3280054, MONDO:0013612, OMIM 614185.
Familial thoracic aortic aneurysm and aortic dissection (TAAD). Also called: Thoracic aortic aneurysms and dissections. Identifiers: Orphanet 91387, MedGen C4707243, MONDO:0019625.

Allele frequency attached by ClinVar (database versions not stated): gnomAD exomes 0.00001 and 0.00003; ExAC 0.00003; ESP Exome Variant Server 0.00008; gnomAD 0.00009; TOPMed 0.00009.
gnomAD v4.1: 30 of 1,613,808 alleles (0.0019%); highest among the groups gnomAD compares: African/African-American, 0.027%; no homozygotes.

Submissions (5):

Ambry Genetics
Classification: Likely benign for Familial thoracic aortic aneurysm and aortic dissection. Last evaluated: 2026-08-10. Review status: criteria provided, single submitter. Criteria: Ambry Variant Classification Scheme 2023. Collection method: clinical testing. Allele origin: germline.

Labcorp Genetics (formerly Invitae), Labcorp
Classification: Likely benign for Marfan syndrome; Familial thoracic aortic aneurysm and aortic dissection. Last evaluated: 2025-03-05. Review status: criteria provided, single submitter. Criteria: Invitae Variant Classification Sherloc (09022015). Collection method: clinical testing. Allele origin: germline.

All of Us Research Program, National Institutes of Health
Classification: Uncertain significance for Marfan syndrome. Last evaluated: 2024-02-22. Review status: criteria provided, single submitter. Criteria: ACMG Guidelines, 2015. Collection method: clinical testing. Allele origin: germline. Inheritance: Autosomal dominant inheritance. Observed: 7 variant alleles, 7 heterozygotes.
Comment: This missense variant replaces aspartic acid with asparagine at codon 1448 of the FBN1 protein. Computational prediction tools and conservation analyses suggest that this variant may not impact the protein function. Computational splicing tools suggest that this variant may not impact RNA splicing. To our knowledge, functional assays have not been performed for this variant nor has this variant been reported in individuals affected with cardiovascular disorders in the literature. This variant has been identified in 10/282556 chromosomes in the general population by the Genome Aggregation Database (gnomAD). Available evidence is insufficient to determine the role of this variant in disease conclusively. Therefore, this variant is classified as a Variant of Uncertain Significance.

This study involves interpretation of variants in research participants for the purpose of population health screening. Participant phenotype was not available at the time of variant classification. Additional details can be found in publication PMID: 35346344, PMCID: PMC8962531

Color Diagnostics, LLC DBA Color Health
Classification: Uncertain significance for Familial thoracic aortic aneurysm and aortic dissection. Last evaluated: 2024-02-09. Review status: criteria provided, single submitter. Criteria: ACMG Guidelines, 2015. Collection method: clinical testing. Allele origin: germline.
Comment: This missense variant replaces aspartic acid with asparagine at codon 1448 of the FBN1 protein. Computational prediction tools indicate that this variant has a neutral impact on protein structure and function. To our knowledge, functional studies have not been reported for this variant. This variant has not been reported in individuals affected with FBN1-related disorders in the literature. This variant has been identified in 10/282556 chromosomes in the general population by the Genome Aggregation Database (gnomAD). The available evidence is insufficient to determine the role of this variant in disease conclusively. Therefore, this variant is classified as a Variant of Uncertain Significance.

Fulgent Genetics
Classification: Uncertain significance for Acromicric dysplasia; Ectopia lentis 1, isolated, autosomal dominant; Marfan syndrome; Stiff skin syndrome; MASS syndrome; Weill-Marchesani syndrome 2, dominant; Geleophysic dysplasia 2; Progeroid and marfanoid aspect-lipodystrophy syndrome. Last evaluated: 2021-10-17. Review status: criteria provided, single submitter. Criteria: ACMG Guidelines, 2015. Collection method: clinical testing. Allele origin: unknown.